The following is an entry in ClinVar:

NM_032578.4(MYPN):c.2072G>A (p.Ser691Asn)

Gene: MYPN (myopalladin; plus strand). Cytogenetic location: 10q21.3.
Variant type: single nucleotide variant.
Coding change: c.2072G>A on transcript NM_032578.4 (MANE Select); coding-DNA position 2072, G replaced by A.
Protein change: p.Ser691Asn; replaces serine 691 with asparagine.
Molecular consequence: missense variant. On other transcripts: non-coding transcript variant (2).
Genome position (GRCh38, 1-based): chr10:68,174,164, G>A. VCF-style: chr10-68174164-G-A. GRCh37 (hg19) VCF-style: chr10-69933921-G-A.
Other names: p.S691N:AGC>AAC; c.2072G>A, p.Ser691Asn (NM_001256267.2); c.1190G>A, p.Ser397Asn (NM_001256268.2); short protein forms S691N, S397N.
Identifiers: ClinVar variation 31797 (VCV000031797.30), dbSNP rs10997975, ClinGen allele CA200023.
Genomic context (GRCh38, chr10:68,174,164, plus strand): 5'-TACTGGAACAACACCAATTGCAAAACCCACCTCCTTCATCTCCTAAGGAGTTTCCTTTCA[G>A]CATGACTGTTTTGAACTCCAATGCTCCCCCAGCGGTGACAACATCCAGTAAGCAGGTGAA-3'
Protein context (NP_115967.2, residues 681-701): PPSSPKEFPF[Ser691Asn]MTVLNSNAPP

ClinVar aggregate classification (germline): Benign/Likely benign. Review status: criteria provided, multiple submitters, no conflicts (2 of 4 stars). 15 submissions from 14 submitters: Benign (11); Likely benign (1). 3 of the submissions do not count toward it. Last evaluated 2026-02-04.

Conditions:
MYPN-related myopathy (CMYO24). Also called: Nemaline myopathy 11, autosomal recessive. Identifiers: MedGen C4479186, MONDO:0015023, OMIM 617336.
Cardiovascular phenotype. Identifiers: MedGen CN230736.
Dilated cardiomyopathy 1KK (CMD1KK). Identifiers: Orphanet 154, Orphanet 75249, MedGen C3714995, MONDO:0014100, OMIM 615248.

Allele frequency attached by ClinVar (database versions not stated): 1000 Genomes Project 30x 0.33167; 1000 Genomes Project 0.33586; TOPMed 0.37244; ESP Exome Variant Server 0.39243; gnomAD 0.39270 and 0.39402; ExAC 0.43077; gnomAD exomes 0.43089 and 0.47388.
gnomAD v4.1: 750,178 of 1,613,462 alleles (46%); highest among the groups gnomAD compares: Non-Finnish European, 49%; 179,292 homozygotes.

Submissions (15):

Labcorp Genetics (formerly Invitae), Labcorp
Classification: Benign for Dilated cardiomyopathy 1KK. Last evaluated: 2026-02-04. Review status: criteria provided, single submitter. Criteria: Invitae Variant Classification Sherloc (09022015). Collection method: clinical testing. Allele origin: germline.

Blueprint Genetics
Classification: Benign. Last evaluated: 2024-11-27. Review status: criteria provided, single submitter. Criteria: ACMG Guidelines, 2015. Collection method: clinical testing. Allele origin: germline.

Women's Health and Genetics/Laboratory Corporation of America, LabCorp
Classification: Likely benign. Last evaluated: 2023-04-04. Review status: criteria provided, single submitter. Criteria: LabCorp Variant Classification Summary - May 2015. Collection method: clinical testing. Allele origin: germline.

Mayo Clinic Laboratories, Mayo Clinic
Classification: Benign. Last evaluated: 2022-03-24. Review status: criteria provided, single submitter. Criteria: ACMG Guidelines, 2015. Collection method: clinical testing. Allele origin: germline. Observed: 1,022 variant alleles.

Genome-Nilou Lab
Classification: Benign for Dilated cardiomyopathy 1KK. Last evaluated: 2021-09-05. Review status: criteria provided, single submitter. Criteria: ACMG Guidelines, 2015. Collection method: clinical testing. Allele origin: germline. Affected: no.

Genome-Nilou Lab
Classification: Benign for MYPN-related myopathy. Last evaluated: 2021-09-05. Review status: criteria provided, single submitter. Criteria: ACMG Guidelines, 2015. Collection method: clinical testing. Allele origin: germline. Affected: no.

Molecular Diagnostic Laboratory for Inherited Cardiovascular Disease, Montreal Heart Institute
Classification: Benign. Last evaluated: 2016-05-13. Review status: criteria provided, single submitter. Criteria: ACMG Guidelines, 2015. Collection method: clinical testing. Allele origin: germline. Affected: yes.

Ambry Genetics
Classification: Benign for Cardiovascular phenotype. Last evaluated: 2015-06-16. Review status: criteria provided, single submitter. Criteria: Ambry Variant Classification Scheme 2023. Collection method: clinical testing. Allele origin: germline.

Laboratory for Molecular Medicine, Mass General Brigham Personalized Medicine
Classification: Benign. Last evaluated: 2014-10-29. Review status: criteria provided, single submitter. Criteria: LMM Criteria. Collection method: clinical testing. Allele origin: germline. Observed: 382 variant alleles.
Comment: p.Ser691Asn in exon 12 of MYPN: This variant is not expected to have clinical si gnificance because it has been identified in 48% (4128/8600) of European America n chromosomes by the NHLBI Exome Sequencing Project (u/EVS/; dbSNP rs10997975).

GeneDx
Classification: Benign. Last evaluated: 2013-11-13. Review status: criteria provided, single submitter. Criteria: GeneDx Variant Classification (06012015). Collection method: clinical testing. Allele origin: germline. Affected: yes.
Comment: This variant is considered likely benign or benign based on one or more of the following criteria: it is a conservative change, it occurs at a poorly conserved position in the protein, it is predicted to be benign by multiple in silico algorithms, and/or has population frequency not consistent with disease.

Biesecker Lab/Clinical Genomics Section, National Institutes of Health
Classification: Benign. Last evaluated: 2013-06-24. Review status: criteria provided, single submitter. Criteria: Ng et al. (Circ Cardiovasc Genet. 2013). Collection method: research. Allele origin: unknown. Observed: 583 variant alleles. Study: ClinSeq.
Comment: The study set was not selected for affection status in relation to any cancer. Pathogenicity categories were based on literature curation. See Pubmed ID:23861362 for details.

Medical sequencing

Breakthrough Genomics
Classification: Benign. Review status: criteria provided, single submitter. Criteria: ACMG Guidelines, 2015. Collection method: not provided. Allele origin: germline. Inheritance: Autosomal recessive inheritance. Affected: yes.

Leiden Muscular Dystrophy (MYPN)
No classification provided. Last evaluated: 2012-04-27. Review status: no classification provided. Collection method: curation. Allele origin: germline. Not counted in ClinVar's aggregate classification.

Clinical Genetics, Academic Medical Center
Classification: Benign. Review status: no assertion criteria provided. Collection method: clinical testing. Allele origin: germline. Affected: yes. Study: VKGL Data-share Consensus. Not counted in ClinVar's aggregate classification.

Joint Genome Diagnostic Labs from Nijmegen and Maastricht, Radboudumc and MUMC+
Classification: Benign. Review status: no assertion criteria provided. Collection method: clinical testing. Allele origin: germline. Affected: yes. Study: VKGL Data-share Consensus. Not counted in ClinVar's aggregate classification.

Literature cited by the submitters: PubMed 18006477 (cited by Laboratory for Molecular Medicine, Mass General Brigham Personalized Medicine); PubMed 22286171 (cited by Laboratory for Molecular Medicine, Mass General Brigham Personalized Medicine).